The following is an entry in ClinVar:

ClinVar aggregate classification (germline): Uncertain significance (1 of 4 stars; one submission).

Conditions:
Hereditary cancer-predisposing syndrome. Also called: Neoplastic Syndromes, Hereditary; Tumor predisposition; Hereditary neoplastic syndrome; Hereditary Cancer Syndrome. Identifiers: Orphanet 140162, MedGen C0027672, MeSH D009386, MONDO:0015356.

Submission:

Ambry Genetics
Classification: Uncertain significance for Hereditary cancer-predisposing syndrome. Last evaluated: 2018-10-30. Review status: criteria provided, single submitter. Criteria: Ambry Variant Classification Scheme 2023. Collection method: clinical testing. Allele origin: germline.
Comment: The p.E1793Q variant (also known as c.5377G>C), located in coding exon 24 of the DICER1 gene, results from a G to C substitution at nucleotide position 5377. The glutamic acid at codon 1793 is replaced by glutamine, an amino acid with highly similar properties. This amino acid position is highly conserved in available vertebrate species. In addition, this alteration is predicted to be tolerated by in silico analysis. Since supporting evidence is limited at this time, the clinical significance of this alteration remains unclear.

NM_177438.3(DICER1):c.5377G>C (p.Glu1793Gln)

Gene: DICER1 (dicer 1, ribonuclease III; minus strand). Cytogenetic location: 14q32.13.
Variant type: single nucleotide variant.
Coding change: c.5377G>C on transcript NM_177438.3 (MANE Select); coding-DNA position 5377, G replaced by C.
Protein change: p.Glu1793Gln; replaces glutamic acid 1793 with glutamine.
Molecular consequence: missense variant. On other transcripts: intron variant (1).
Genome position (GRCh38, 1-based): chr14:95,091,353, C>G on the plus strand (G>C on the coding strand, the complement: DICER1 is on the minus strand). VCF-style: chr14-95091353-C-G. GRCh37 (hg19) VCF-style: chr14-95557690-C-G.
Other names: c.5377G>C, p.Glu1793Gln (NM_001271282.3, NM_001291628.2, NM_030621.4); c.5365-244G>C (NM_001195573.1); short protein forms E1793Q.
Identifiers: ClinVar variation 825685 (VCV000825685.4), dbSNP rs1595315208, ClinGen allele CA390864802.